The following is an entry in ClinVar:

ClinVar aggregate classification (germline): Likely benign (0 of 4 stars; one submission).

Conditions:
PLXNA1-related disorder. Also called: PLXNA1-related condition.

Allele frequency attached by ClinVar (database versions not stated): ESP Exome Variant Server 0.00008.
gnomAD v4.1: 22 of 1,602,312 alleles (0.0014%); highest among the groups gnomAD compares: East Asian, 0.0022%; no homozygotes.

Submission:

PreventionGenetics, part of Exact Sciences
Classification: Likely benign for PLXNA1-related condition. Last evaluated: 2023-04-26. Review status: no assertion criteria provided. Collection method: clinical testing. Allele origin: germline.
Comment: This variant is classified as likely benign based on ACMG/AMP sequence variant interpretation guidelines (Richards et al. 2015 PMID: 25741868, with internal and published modifications).

NM_032242.4(PLXNA1):c.5673G>T (p.Thr1891=)

Gene: PLXNA1 (plexin A1; plus strand). Cytogenetic location: 3q21.3.
Variant type: single nucleotide variant.
Coding change: c.5673G>T on transcript NM_032242.4 (MANE Select); coding-DNA position 5673, G replaced by T.
Protein change: p.Thr1891=; no amino-acid change (threonine 1891 retained).
Molecular consequence: synonymous variant.
Genome position (GRCh38, 1-based): chr3:127,033,999, G>T. VCF-style: chr3-127033999-G-T. GRCh37 (hg19) VCF-style: chr3-126752842-G-T.
Identifiers: ClinVar variation 3030114 (VCV003030114.2), dbSNP rs368450040, ClinGen allele CA2594752.